The following is an entry in ClinVar:

ClinVar aggregate classification (germline): Uncertain significance (1 of 4 stars; one submission).

Conditions:
Inborn genetic diseases. Identifiers: MedGen C0950123, MeSH D030342.

gnomAD v4.1: 13 of 1,208,938 alleles (0.0011%); highest among the groups gnomAD compares: Non-Finnish European, 0.0013%; no homozygotes.

Submission:

Ambry Genetics
Classification: Uncertain significance for Inborn genetic diseases. Last evaluated: 2025-12-30. Review status: criteria provided, single submitter. Criteria: Ambry Variant Classification Scheme 2023. Collection method: clinical testing. Allele origin: germline.
Comment: The c.752T>C (p.L251P) alteration is located in exon 6 (coding exon 6) of the BCAP31 gene. This alteration results from a T to C substitution at nucleotide position 752, causing the leucine (L) at amino acid position 251 to be replaced by a proline (P). Based on data from gnomAD, the C allele has an overall frequency of <0.001% (1/182762) total alleles studied. The highest observed frequency was 0.001% (1/81706) of European (non-Finnish) alleles. Based on insufficient or conflicting evidence, the clinical significance of this alteration remains unclear.

NM_001256447.2(BCAP31):c.551T>C (p.Leu184Pro)

Gene: BCAP31 (B cell receptor associated protein 31; minus strand). Cytogenetic location: Xq28.
Variant type: single nucleotide variant.
Coding change: c.551T>C on transcript NM_001256447.2 (MANE Select); coding-DNA position 551, T replaced by C.
Protein change: p.Leu184Pro; replaces leucine 184 with proline.
Molecular consequence: missense variant.
Genome position (GRCh38, 1-based): chrX:153,702,985, A>G on the plus strand (T>C on the coding strand, the complement: BCAP31 is on the minus strand). VCF-style: chrX-153702985-A-G. GRCh37 (hg19) VCF-style: chrX-152968440-A-G.
Other names: c.551T>C, p.Leu184Pro (NM_001139441.1, NM_005745.8); c.752T>C, p.Leu251Pro (NM_001139457.2); short protein forms L251P, L184P.
Identifiers: ClinVar variation 4838744 (VCV004838744.1).